The following is an entry in ClinVar:

ClinVar aggregate classification (germline): Pathogenic. Review status: criteria provided, multiple submitters, no conflicts (2 of 4 stars). 4 submissions from 4 submitters: Pathogenic (3). 1 of the submissions does not count toward it. Last evaluated 2025-11-24.

Conditions:
ABCA4-related disorder. Also called: ABCA4-related condition; ABCA4-related disorders. Identifiers: MedGen CN239167.
Cone-rod dystrophy 3 (CORD3). Identifiers: Orphanet 1872, MedGen C1858806, MONDO:0011395, OMIM 604116.
Age related macular degeneration 2. Also called: MACULAR DEGENERATION, SENILE; MACULOPATHY, AGE-RELATED, 2; MACULOPATHY, AGE-RELATED. Identifiers: MedGen C3495438, MONDO:0007932, OMIM 153800.
Retinitis pigmentosa 19 (RP19). Also called: ABCA4-Related Retinitis Pigmentosa. Identifiers: Orphanet 791, MedGen C1866422, MONDO:0011137, OMIM 601718.
Severe early-childhood-onset retinal dystrophy (STGD1). Also called: MACULAR DYSTROPHY WITH FLECKS, TYPE 1; STGD; Stargardt disease 1; Stargardt macular dystrophy; Juvenile onset macular degeneration. Identifiers: Orphanet 364055, Orphanet 827, MedGen C1855465, MeSH D000080362, MONDO:0009549, OMIM 248200.

Allele frequency attached by ClinVar (database versions not stated): TOPMed below 0.00001; gnomAD exomes below 0.00001.
gnomAD v4.1: 2 of 1,614,210 alleles (0.00012%); highest among the groups gnomAD compares: Non-Finnish European, 0.00017%; no homozygotes.

Submissions (4):

Labcorp Genetics (formerly Invitae), Labcorp
Classification: Pathogenic. Last evaluated: 2025-11-24. Review status: criteria provided, single submitter. Criteria: Invitae Variant Classification Sherloc (09022015). Collection method: clinical testing. Allele origin: germline.
Comment: This sequence change replaces leucine, which is neutral and non-polar, with arginine, which is basic and polar, at codon 2060 of the ABCA4 protein (p.Leu2060Arg). This variant is not present in population databases (gnomAD no frequency). This missense change has been observed in individual(s) with cone-rod dystrophy, retinitis pigmentosa and Stargardt Disease (PMID: 11385708, 23755871, 27596865). In at least one individual the data is consistent with being in trans (on the opposite chromosome) from a pathogenic variant. It has also been observed to segregate with disease in related individuals. ClinVar contains an entry for this variant (Variation ID: 99433). Invitae Evidence Modeling of protein sequence and biophysical properties (such as structural, functional, and spatial information, amino acid conservation, physicochemical variation, residue mobility, and thermodynamic stability) indicates that this missense variant is expected to disrupt ABCA4 protein function with a positive predictive value of 95%. For these reasons, this variant has been classified as Pathogenic.

Blueprint Genetics
Classification: Pathogenic for ABCA4-related disorders. Last evaluated: 2021-10-27. Review status: criteria provided, single submitter. Criteria: ACMG Guidelines, 2015. Collection method: clinical testing. Allele origin: germline. Affected: yes. Observed: 1 variant allele.

Fulgent Genetics
Classification: Pathogenic for Age related macular degeneration 2; Severe early-childhood-onset retinal dystrophy; Retinitis pigmentosa 19; Cone-rod dystrophy 3. Last evaluated: 2021-07-27. Review status: criteria provided, single submitter. Criteria: ACMG Guidelines, 2015. Collection method: clinical testing. Allele origin: unknown.

Retina International
No classification provided. Review status: no classification provided. Collection method: not provided. Allele origin: not provided. Not counted in ClinVar's aggregate classification.

Literature cited by the submitters: PubMed 11385708 (cited by Labcorp Genetics (formerly Invitae), Labcorp); PubMed 23755871 (cited by Labcorp Genetics (formerly Invitae), Labcorp); PubMed 27596865 (cited by Labcorp Genetics (formerly Invitae), Labcorp).

NM_000350.3(ABCA4):c.6179T>G (p.Leu2060Arg)

Gene: ABCA4 (ATP binding cassette subfamily A member 4; minus strand). Cytogenetic location: 1p22.1.
Variant type: single nucleotide variant.
Coding change: c.6179T>G on transcript NM_000350.3 (MANE Select); coding-DNA position 6179, T replaced by G.
Protein change: p.Leu2060Arg; replaces leucine 2060 with arginine.
Molecular consequence: missense variant.
Genome position (GRCh38, 1-based): chr1:94,001,961, A>C on the plus strand (T>G on the coding strand, the complement: ABCA4 is on the minus strand). VCF-style: chr1-94001961-A-C. GRCh37 (hg19) VCF-style: chr1-94467517-A-C.
Other names: c.5957T>G, p.Leu1986Arg (NM_001425324.1); short protein forms L2060R, L1986R.
Identifiers: ClinVar variation 99433 (VCV000099433.11), dbSNP rs61753039, ClinGen allele CA227373.